The following is an entry in ClinVar:

NM_024513.4(FYCO1):c.1213G>C (p.Glu405Gln)

Gene: FYCO1 (FYVE and coiled-coil domain autophagy adaptor 1; minus strand). Cytogenetic location: 3p21.31.
Variant type: single nucleotide variant.
Coding change: c.1213G>C on transcript NM_024513.4 (MANE Select); coding-DNA position 1213, G replaced by C.
Protein change: p.Glu405Gln; replaces glutamic acid 405 with glutamine.
Molecular consequence: missense variant. On other transcripts: non-coding transcript variant (1).
Genome position (GRCh38, 1-based): chr3:45,968,121, C>G on the plus strand (G>C on the coding strand, the complement: FYCO1 is on the minus strand). VCF-style: chr3-45968121-C-G. GRCh37 (hg19) VCF-style: chr3-46009613-C-G.
Other names: c.1213G>C, p.Glu405Gln (NM_001386421.1, NM_001386422.1, NM_001386423.1 and 4 more transcripts); c.1093G>C, p.Glu365Gln (NM_001386426.1); c.1069G>C, p.Glu357Gln (NM_001386427.1); c.613G>C, p.Glu205Gln (NM_001386430.1); short protein forms E357Q, E365Q, E205Q, E405Q.
Identifiers: ClinVar variation 1961174 (VCV001961174.5), dbSNP rs1409919052, ClinGen allele CA352464385.
Genomic context (GRCh38, chr3:45,968,121, plus strand): 5'-TCTGCTGTCTGTTGACCTCCTCGACCTTGGTTCTCTCCCTTTCTAGGGCTTGAAGCTTCT[C>G]CCCTAGCTCCTGCATCTCCTGGGCCGCATCACTGGGAATAGGTTCTTGCCGGCCCTTTGT-3'
Protein context (NP_078789.2, residues 395-415): DAAQEMQELG[Glu405Gln]KLQALERERT

ClinVar aggregate classification (germline): Uncertain significance (1 of 4 stars; one submission).

Conditions:
Cataract 18 (CATC2). Also called: CATARACT 18, AUTOSOMAL RECESSIVE. Identifiers: Orphanet 91492, Orphanet 98991, Orphanet 98992, Orphanet 98995, MedGen C1864908, MONDO:0012395, OMIM 610019.

Allele frequency attached by ClinVar (database versions not stated): TOPMed below 0.00001; gnomAD 0.00001.
gnomAD v4.1: 3 of 1,614,100 alleles (0.00019%); highest among the groups gnomAD compares: Admixed American, 0.005%; no homozygotes.

Submission:

Labcorp Genetics (formerly Invitae), Labcorp
Classification: Uncertain significance for Cataract 18. Last evaluated: 2022-05-16. Review status: criteria provided, single submitter. Criteria: Invitae Variant Classification Sherloc (09022015). Collection method: clinical testing. Allele origin: germline.
Comment: This variant has not been reported in the literature in individuals affected with FYCO1-related conditions. This variant is not present in population databases (gnomAD no frequency). This sequence change replaces glutamic acid, which is acidic and polar, with glutamine, which is neutral and polar, at codon 405 of the FYCO1 protein (p.Glu405Gln). Algorithms developed to predict the effect of missense changes on protein structure and function (SIFT, PolyPhen-2, Align-GVGD) all suggest that this variant is likely to be tolerated. In summary, the available evidence is currently insufficient to determine the role of this variant in disease. Therefore, it has been classified as a Variant of Uncertain Significance.